The following is an entry in ClinVar:

ClinVar aggregate classification (germline): Likely benign (1 of 4 stars; one submission).

gnomAD v4.1: 2 of 1,614,208 alleles (0.00012%); highest among the groups gnomAD compares: Non-Finnish European, 0.00017%; no homozygotes.

Submission:

CeGaT Center for Human Genetics Tuebingen
Classification: Likely benign. Last evaluated: 2024-11-01. Review status: criteria provided, single submitter. Criteria: CeGaT Center For Human Genetics Tuebingen Variant Classification Criteria Version 2. Collection method: clinical testing. Allele origin: germline. Affected: yes. Observed: 1 variant allele.
Comment: TRRAP: BP4, BP7

NM_001375524.1(TRRAP):c.11136C>A (p.Ile3712=)

Gene: TRRAP (transformation/transcription domain associated protein; plus strand). Cytogenetic location: 7q22.1.
Variant type: single nucleotide variant.
Coding change: c.11136C>A on transcript NM_001375524.1 (MANE Select); coding-DNA position 11136, C replaced by A.
Protein change: p.Ile3712=; no amino-acid change (isoleucine 3712 retained).
Molecular consequence: synonymous variant.
Genome position (GRCh38, 1-based): chr7:99,011,249, C>A. VCF-style: chr7-99011249-C-A. GRCh37 (hg19) VCF-style: chr7-98608872-C-A.
Other names: c.11094C>A, p.Ile3698= (NM_001244580.2); c.11007C>A, p.Ile3669= (NM_003496.4).
Identifiers: ClinVar variation 3390102 (VCV003390102.14).
Genomic context (GRCh38, chr7:99,011,249, plus strand): 5'-GATAGGCTTCGCGGAATTCGTCCTGCATTTAAATAGACTCAACCCCGAGATGTTACAGAT[C>A]GCTCAGGTAACCTGCTTTGAACAGCCAGATCCTCTCCTCGTGACATCGCCTTTCTGCTGA-3'
Protein context (NP_001362453.1, residues 3702-3722): LNRLNPEMLQ[Ile3712=]AQDTGKLNVA